The following is an entry in ClinVar:

NM_201384.3(PLEC):c.4493G>A (p.Arg1498His)

Gene: PLEC (plectin; minus strand). Cytogenetic location: 8q24.3.
Variant type: single nucleotide variant.
Coding change: c.4493G>A on transcript NM_201384.3 (MANE Select); coding-DNA position 4493, G replaced by A.
Protein change: p.Arg1498His; replaces arginine 1498 with histidine.
Molecular consequence: missense variant. On other transcripts: intron variant (1).
Genome position (GRCh38, 1-based): chr8:143,925,436, C>T on the plus strand (G>A on the coding strand, the complement: PLEC is on the minus strand). VCF-style: chr8-143925436-C-T. GRCh37 (hg19) VCF-style: chr8-144999604-C-T.
Other names: c.4574G>A, p.Arg1525His (NM_000445.5); c.4451G>A, p.Arg1484His (NM_201378.4); c.4427G>A, p.Arg1476His (NM_201379.3); c.4904G>A, p.Arg1635His (NM_201380.4); c.4397G>A, p.Arg1466His (NM_201381.3); c.4493G>A, p.Arg1498His (NM_201382.4); c.4505G>A, p.Arg1502His (NM_201383.3); c.4125+1348G>A (NM_001410941.1); short protein forms R1476H, R1466H, R1635H, R1484H, R1498H, R1525H, R1502H.
Identifiers: ClinVar variation 4977698 (VCV004977698.1).

ClinVar aggregate classification (germline): Uncertain significance (1 of 4 stars; one submission).

Conditions:
PLEC-related disorder. Also called: PLEC-related condition; PLEC-related disorders.

gnomAD v4.1: 31 of 1,595,106 alleles (0.0019%); highest among the groups gnomAD compares: Middle Eastern, 0.033%; no homozygotes.

Submission:

PreventionGenetics, part of Exact Sciences
Classification: Uncertain significance for PLEC-related condition. Last evaluated: 2026-05-10. Review status: criteria provided, single submitter. Criteria: ACMG Guidelines, 2015. Collection method: clinical testing. Allele origin: germline.
Comment: The PLEC c.4574G>A variant is predicted to result in the amino acid substitution p.Arg1525His. To our knowledge, this variant has not been reported in the literature. This variant is reported in 0.0061% of alleles in individuals of European (Non-Finnish) descent in gnomAD. At this time, the clinical significance of this variant is uncertain due to the absence of conclusive functional and genetic evidence.